The following is an entry in ClinVar:

ClinVar aggregate classification (germline): Uncertain significance (1 of 4 stars; one submission).

Submission:

GeneDx
Classification: Uncertain significance. Last evaluated: 2025-04-26. Review status: criteria provided, single submitter. Criteria: GeneDx Variant Classification Process June 2021. Collection method: clinical testing. Allele origin: germline. Affected: yes.
Comment: Not observed at significant frequency in large population cohorts (gnomAD); In silico analysis indicates that this missense variant does not alter protein structure/function; Has not been previously published as pathogenic or benign to our knowledge

NM_133433.4(NIPBL):c.139G>A (p.Ala47Thr)

Gene: NIPBL (NIPBL cohesin loading factor; plus strand). Cytogenetic location: 5p13.2.
Variant type: single nucleotide variant.
Coding change: c.139G>A on transcript NM_133433.4 (MANE Select); coding-DNA position 139, G replaced by A.
Protein change: p.Ala47Thr; replaces alanine 47 with threonine.
Molecular consequence: missense variant.
Genome position (GRCh38, 1-based): chr5:36,955,546, G>A. VCF-style: chr5-36955546-G-A. GRCh37 (hg19) VCF-style: chr5-36955648-G-A.
Other names: c.139G>A, p.Ala47Thr (NM_001438586.1, NM_015384.5); short protein forms A47T.
Identifiers: ClinVar variation 4527695 (VCV004527695.1).